The following is an entry in ClinVar:

NM_139076.3(ABRAXAS1):c.618T>A (p.Asp206Glu)

Gene: ABRAXAS1 (abraxas 1, BRCA1 A complex subunit; minus strand). Cytogenetic location: 4q21.23.
Variant type: single nucleotide variant.
Coding change: c.618T>A on transcript NM_139076.3 (MANE Select); coding-DNA position 618, T replaced by A.
Protein change: p.Asp206Glu; replaces aspartic acid 206 with glutamic acid.
Molecular consequence: missense variant.
Genome position (GRCh38, 1-based): chr4:83,467,517, A>T on the plus strand (T>A on the coding strand, the complement: ABRAXAS1 is on the minus strand). VCF-style: chr4-83467517-A-T. GRCh37 (hg19) VCF-style: chr4-84388670-A-T.
Other names: c.291T>A, p.Asp97Glu (NM_001345962.2); short protein forms D206E, D97E.
Identifiers: ClinVar variation 1799645 (VCV001799645.2), dbSNP rs2529431447, ClinGen allele CA357258881.

ClinVar aggregate classification (germline): Uncertain significance (1 of 4 stars; one submission).

Submission:

Ambry Genetics
Classification: Uncertain significance. Last evaluated: 2024-03-28. Review status: criteria provided, single submitter. Criteria: Ambry Variant Classification Scheme 2023. Collection method: clinical testing. Allele origin: germline.
Comment: The p.D206E variant (also known as c.618T>A), located in coding exon 7 of the FAM175A gene, results from a T to A substitution at nucleotide position 618. The aspartic acid at codon 206 is replaced by glutamic acid, an amino acid with highly similar properties. This amino acid position is conserved. In addition, this alteration is predicted to be tolerated by in silico analysis. Since supporting evidence is limited at this time, the clinical significance of this alteration remains unclear.